The following is an entry in ClinVar:

ClinVar aggregate classification (germline): Pathogenic (1 of 4 stars; one submission).

Conditions:
MEGF8-related Carpenter syndrome. Also called: Carpenter syndrome 2. Identifiers: Orphanet 65759, MedGen C3554247, MONDO:0013998, OMIM 614976.

gnomAD v4.1: 5 of 1,613,870 alleles (0.00031%); highest among the groups gnomAD compares: African/African-American, 0.0013%; no homozygotes.

Submission:

Labcorp Genetics (formerly Invitae), Labcorp
Classification: Pathogenic for MEGF8-related Carpenter syndrome. Last evaluated: 2025-07-16. Review status: criteria provided, single submitter. Criteria: Invitae Variant Classification Sherloc (09022015). Collection method: clinical testing. Allele origin: germline.
Comment: This sequence change creates a premature translational stop signal (p.Arg95*) in the MEGF8 gene. It is expected to result in an absent or disrupted protein product. Loss-of-function variants in MEGF8 are known to be pathogenic (PMID: 23063620). This variant is present in population databases (rs376057779, gnomAD 0.007%). This variant has not been reported in the literature in individuals affected with MEGF8-related conditions. For these reasons, this variant has been classified as Pathogenic.

Literature cited by the submitters: PubMed 23063620.

NM_001271938.2(MEGF8):c.283C>T (p.Arg95Ter)

Gene: MEGF8 (multiple EGF like domains 8; plus strand). Cytogenetic location: 19q13.2.
Variant type: single nucleotide variant.
Coding change: c.283C>T on transcript NM_001271938.2 (MANE Select); coding-DNA position 283, C replaced by T.
Protein change: p.Arg95Ter; replaces arginine 95 with a stop codon.
Molecular consequence: nonsense.
Genome position (GRCh38, 1-based): chr19:42,333,700, C>T. VCF-style: chr19-42333700-C-T. GRCh37 (hg19) VCF-style: chr19-42837852-C-T.
Other names: c.283C>T, p.Arg95Ter (NM_001410.3); short protein forms R95*.
Identifiers: ClinVar variation 4768373 (VCV004768373.1).